The following is an entry in ClinVar:

NC_000012.12:g.2044152_2088870del

Gene: CACNA1C (calcium voltage-gated channel subunit alpha1 C; plus strand). Cytogenetic location: 12p13.33.
Variant type: Deletion.
Identifiers: ClinVar variation 692154 (VCV000692154.3).

ClinVar aggregate classification (germline): Likely pathogenic (0 of 4 stars; one submission).

Conditions:
Delayed fine motor development. Identifiers: MedGen C4023681, HP:0010862.
Intention tremor. Identifiers: MedGen C4551520, HP:0002080.
Joint laxity. Identifiers: MedGen C0086437.
Motor delay. Also called: Motor retardation; Motor Developmental Delay. Identifiers: MedGen C1854301, HP:0001270.
Expressive language delay. Identifiers: MedGen C0454641, HP:0002474.

Submission:

Institute of Medical Genetics, ASUI Udine
Classification: Likely pathogenic for Expressive language delay; Delayed fine motor development; Joint hypermobility; Motor delay; Intention tremor. Last evaluated: 2019-09-29. Review status: no assertion criteria provided. Collection method: clinical testing. Allele origin: de novo. Affected: yes. Observed: 1 heterozygote.
Comment: Pure constitutional deletions involving the distal portion of the short arm of chromosome 12 (12p13.3) are extremely rare. Deletions involving CACNA1C coding sequence have been reported in 24 patients, all showing mild to severe intellectual disability (ID) and a variable degree of behavioral abnormalities (Abdelmoity et al., 2011; Fanizza et al., 2014; MacDonald et al., 2010; Madrigal et al., 2012; Quintela et al., 2017; Thevenon et al., 2013; Vargas et al., 2012; Velinov et al., 2008, Rooryck et al., 2009; Thevenon et al., 2013; Vargas et al., 2012, Abdelmoity et al., 2011; Thevenon et al., 2013). This is the smallest mico-deletion in 12p13.3 . Based on literature review, absence from controls and clinical assessments, this CNV meets our criteria to be classified as pathogenic.